The following is an entry in ClinVar:

NM_018979.4(WNK1):c.3806G>A (p.Arg1269Gln)

Gene: WNK1 (WNK lysine deficient protein kinase 1; plus strand). Cytogenetic location: 12p13.33.
Variant type: single nucleotide variant.
Coding change: c.3806G>A on transcript NM_018979.4 (MANE Select); coding-DNA position 3806, G replaced by A.
Protein change: p.Arg1269Gln; replaces arginine 1269 with glutamine.
Molecular consequence: missense variant.
Genome position (GRCh38, 1-based): chr12:884,205, G>A. VCF-style: chr12-884205-G-A. GRCh37 (hg19) VCF-style: chr12-993371-G-A.
Other names: c.4586G>A, p.Arg1529Gln (NM_001184985.2); c.3065G>A, p.Arg1022Gln (NM_014823.3); c.4562G>A, p.Arg1521Gln (NM_213655.5); short protein forms R1529Q, R1269Q, R1022Q, R1521Q.
Identifiers: ClinVar variation 946323 (VCV000946323.11), dbSNP rs574104473, ClinGen allele CA6382857.

ClinVar aggregate classification (germline): Uncertain significance. Review status: criteria provided, multiple submitters, no conflicts (2 of 4 stars). 2 submissions from 2 submitters: Uncertain significance (2). Last evaluated 2024-04-17.

Conditions:
Neuropathy, hereditary sensory and autonomic, type 2A (HSAN2A). Also called: MORVAN DISEASE; NEUROPATHY, CONGENITAL SENSORY; NEUROPATHY, HEREDITARY SENSORY RADICULAR, AUTOSOMAL RECESSIVE; NEUROPATHY, HEREDITARY SENSORY, TYPE IIA; NEUROPATHY, PROGRESSIVE SENSORY, OF CHILDREN; WNK1-Related HSAN2 (HSAN2A). Identifiers: Orphanet 970, MedGen C2752089, MONDO:0024309, OMIM 201300.
Pseudohypoaldosteronism type 2C (PHA2C). Also called: Pseudohypoaldosteronism Type IIC. Identifiers: Orphanet 757, Orphanet 88940, MedGen C1840391, MONDO:0013778, OMIM 614492.

Allele frequency attached by ClinVar (database versions not stated): gnomAD 0.00001; TOPMed 0.00002; gnomAD exomes 0.00004 and 0.00007; ExAC 0.00007; 1000 Genomes Project 30x 0.00016; 1000 Genomes Project 0.00020.
gnomAD v4.1: 23 of 1,614,144 alleles (0.0014%); highest among the groups gnomAD compares: Admixed American, 0.033%; no homozygotes.

Submissions (2):

Labcorp Genetics (formerly Invitae), Labcorp
Classification: Uncertain significance for Neuropathy, hereditary sensory and autonomic, type 2A; Pseudohypoaldosteronism type 2C. Last evaluated: 2024-04-17. Review status: criteria provided, single submitter. Criteria: Invitae Variant Classification Sherloc (09022015). Collection method: clinical testing. Allele origin: germline.
Comment: This sequence change replaces arginine, which is basic and polar, with glutamine, which is neutral and polar, at codon 1521 of the WNK1 protein (p.Arg1521Gln). This variant is present in population databases (rs574104473, gnomAD 0.04%). This variant has not been reported in the literature in individuals affected with WNK1-related conditions. ClinVar contains an entry for this variant (Variation ID: 946323). Advanced modeling of protein sequence and biophysical properties (such as structural, functional, and spatial information, amino acid conservation, physicochemical variation, residue mobility, and thermodynamic stability) performed at Invitae indicates that this missense variant is not expected to disrupt WNK1 protein function with a negative predictive value of 95%. In summary, the available evidence is currently insufficient to determine the role of this variant in disease. Therefore, it has been classified as a Variant of Uncertain Significance.

Fulgent Genetics
Classification: Uncertain significance for Neuropathy, hereditary sensory and autonomic, type 2A; Pseudohypoaldosteronism type 2C. Last evaluated: 2021-11-01. Review status: criteria provided, single submitter. Criteria: ACMG Guidelines, 2015. Collection method: clinical testing. Allele origin: unknown.